The following is an entry in ClinVar:

ClinVar aggregate classification (germline): Benign/Likely benign. Review status: criteria provided, multiple submitters, no conflicts (2 of 4 stars). 4 submissions from 4 submitters: Benign (2); Likely benign (1). 1 of the submissions does not count toward it. Last evaluated 2025-12-19.

Conditions:
TRPM1-related disorder. Also called: TRPM1-related condition.
Congenital stationary night blindness 1C. Also called: Night blindness, congenital stationary (complete), 1C, autosomal recessive. Identifiers: Orphanet 215, MedGen C2750747, MONDO:0013183, OMIM 613216.

Allele frequency attached by ClinVar (database versions not stated): gnomAD 0.00029 and 0.00040; TOPMed 0.00085; gnomAD exomes 0.00102; ExAC 0.00108; 1000 Genomes Project 0.00260; 1000 Genomes Project 30x 0.00297.
gnomAD v4.1: 533 of 1,614,184 alleles (0.033%); highest among the groups gnomAD compares: East Asian, 1%; 6 homozygotes.

Submissions (4):

Labcorp Genetics (formerly Invitae), Labcorp
Classification: Benign. Last evaluated: 2025-12-19. Review status: criteria provided, single submitter. Criteria: Invitae Variant Classification Sherloc (09022015). Collection method: clinical testing. Allele origin: germline.

Blueprint Genetics
Classification: Likely benign. Last evaluated: 2024-10-02. Review status: criteria provided, single submitter. Criteria: ACMG Guidelines, 2015. Collection method: clinical testing. Allele origin: germline.

Illumina Laboratory Services, Illumina
Classification: Benign for Congenital stationary night blindness 1C. Last evaluated: 2018-01-13. Review status: criteria provided, single submitter. Criteria: ICSL Variant Classification Criteria 13 December 2019. Collection method: clinical testing. Allele origin: germline.
Comment: This variant was observed in the ICSL laboratory as part of a predisposition screen in an ostensibly healthy population. It had not been previously curated by ICSL or reported in the Human Gene Mutation Database (HGMD: prior to June 1st, 2018), and was therefore a candidate for classification through an automated scoring system. Utilizing variant allele frequency, disease prevalence and penetrance estimates, and inheritance mode, an automated score was calculated to assess if this variant is too frequent to cause the disease. Based on the score and internal cut-off values, a variant classified as benign is not then subjected to further curation. The score for this variant resulted in a classification of benign for this disease.

PreventionGenetics, part of Exact Sciences
Classification: Benign for TRPM1-related condition. Last evaluated: 2024-01-05. Review status: no assertion criteria provided. Collection method: clinical testing. Allele origin: germline. Not counted in ClinVar's aggregate classification.
Comment: This variant is classified as benign based on ACMG/AMP sequence variant interpretation guidelines (Richards et al. 2015 PMID: 25741868, with internal and published modifications).

NM_001252024.2(TRPM1):c.729C>T (p.Gly243=)

Gene: TRPM1 (transient receptor potential cation channel subfamily M member 1; minus strand). Cytogenetic location: 15q13.3.
Variant type: single nucleotide variant.
Coding change: c.729C>T on transcript NM_001252024.2 (MANE Select); coding-DNA position 729, C replaced by T.
Protein change: p.Gly243=; no amino-acid change (glycine 243 retained).
Molecular consequence: synonymous variant.
Genome position (GRCh38, 1-based): chr15:31,066,137, G>A on the plus strand (C>T on the coding strand, the complement: TRPM1 is on the minus strand). VCF-style: chr15-31066137-G-A. GRCh37 (hg19) VCF-style: chr15-31358340-G-A.
Other names: c.780C>T, p.Gly260= (NM_001252020.2); c.663C>T, p.Gly221= (NM_002420.6); c.780C>T (NM_001252020.1).
Identifiers: ClinVar variation 885361 (VCV000885361.15), dbSNP rs188427342, ClinGen allele CA7452861.